The following is an entry in ClinVar:

NM_015512.5(DNAH1):c.9685C>T (p.Arg3229Cys)

Gene: DNAH1 (dynein axonemal heavy chain 1; plus strand). Cytogenetic location: 3p21.1.
Variant type: single nucleotide variant.
Coding change: c.9685C>T on transcript NM_015512.5 (MANE Select); coding-DNA position 9685, C replaced by T.
Protein change: p.Arg3229Cys; replaces arginine 3229 with cysteine.
Molecular consequence: missense variant.
Genome position (GRCh38, 1-based): chr3:52,390,998, C>T. VCF-style: chr3-52390998-C-T. GRCh37 (hg19) VCF-style: chr3-52425014-C-T.
Other names: short protein forms R3229C.
Identifiers: ClinVar variation 5006657 (VCV005006657.2).

ClinVar aggregate classification (germline): Uncertain significance (1 of 4 stars; one submission).

Conditions:
Spermatogenic failure 18. Identifiers: MedGen C4539783, MONDO:0054615, OMIM 617576.
Ciliary dyskinesia, primary, 37 (CILD37). Also called: CILIARY DYSKINESIA, PRIMARY, 37, WITH OR WITHOUT SITUS INVERSUS. Identifiers: MedGen C4539798, MONDO:0033204, OMIM 617577.

gnomAD v4.1: 5 of 1,554,272 alleles (0.00032%); highest among the groups gnomAD compares: East Asian, 0.0024%; no homozygotes.

Submission:

Juno Genomics, Hangzhou Juno Genomics, Inc
Classification: Uncertain significance for Ciliary dyskinesia, primary, 37; Spermatogenic failure 18. Review status: criteria provided, single submitter. Criteria: ACMG Guidelines, 2015. Collection method: clinical testing. Allele origin: germline.
Comment: Absent from controls (or at extremely low frequency if recessive) in Genome Aggregation Database.;Multiple lines of computational evidence support a deleterious effect on the gene or gene product.